The following is an entry in ClinVar:

ClinVar aggregate classification (germline): Likely benign (1 of 4 stars; one submission).

Conditions:
GLI2-related disorder. Also called: GLI2-related condition; GLI2-related disorders.

gnomAD v4.1: 25 of 1,613,914 alleles (0.0015%); highest among the groups gnomAD compares: Middle Eastern, 0.016%; no homozygotes.

Submission:

PreventionGenetics, part of Exact Sciences
Classification: Likely benign for GLI2-related condition. Last evaluated: 2025-06-23. Review status: criteria provided, single submitter. Criteria: ACMG Guidelines, 2015. Collection method: clinical testing. Allele origin: germline.
Comment: This variant is classified as likely benign based on ACMG/AMP sequence variant interpretation guidelines (Richards et al. 2015 PMID: 25741868, with internal and published modifications).

NM_001374353.1(GLI2):c.1809G>A (p.Thr603=)

Gene: GLI2 (GLI family zinc finger 2; plus strand). Cytogenetic location: 2q14.2.
Variant type: single nucleotide variant.
Coding change: c.1809G>A on transcript NM_001374353.1 (MANE Select); coding-DNA position 1809, G replaced by A.
Protein change: p.Thr603=; no amino-acid change (threonine 603 retained).
Molecular consequence: synonymous variant.
Genome position (GRCh38, 1-based): chr2:120,984,647, G>A. VCF-style: chr2-120984647-G-A. GRCh37 (hg19) VCF-style: chr2-121742223-G-A.
Other names: c.1860G>A, p.Thr620= (NM_001371271.1, NM_005270.5); c.1434G>A, p.Thr478= (NM_001374354.1).
Identifiers: ClinVar variation 4990120 (VCV004990120.1).